The following is an entry in ClinVar:

ClinVar aggregate classification (germline): Likely pathogenic (1 of 4 stars; one submission).

Conditions:
Propionic acidemia (PROP). Also called: GLYCINEMIA, KETOTIC; HYPERGLYCINEMIA WITH KETOACIDOSIS AND LEUKOPENIA; KETOTIC HYPERGLYCINEMIA. Identifiers: Orphanet 35, MedGen C0268579, MONDO:0011628, OMIM 606054, HP:0003571.

gnomAD v4.1: 2 of 1,611,672 alleles (0.00012%); highest among the groups gnomAD compares: East Asian, 0.0045%; no homozygotes.

Submission:

Labcorp Genetics (formerly Invitae), Labcorp
Classification: Likely pathogenic for Propionic acidemia. Last evaluated: 2025-10-13. Review status: criteria provided, single submitter. Criteria: Invitae Variant Classification Sherloc (09022015). Collection method: clinical testing. Allele origin: germline.
Comment: This sequence change replaces phenylalanine, which is neutral and non-polar, with cysteine, which is neutral and slightly polar, at codon 391 of the PCCB protein (p.Phe391Cys). This variant is present in population databases (no rsID available, gnomAD 0.01%). This variant has not been reported in the literature in individuals affected with PCCB-related conditions. ClinVar contains an entry for this variant (Variation ID: 2063366). Invitae Evidence Modeling of protein sequence and biophysical properties (such as structural, functional, and spatial information, amino acid conservation, physicochemical variation, residue mobility, and thermodynamic stability) indicates that this missense variant is expected to disrupt PCCB protein function with a positive predictive value of 95%. This variant disrupts the p.Phe391 amino acid residue in PCCB. Other variant(s) that disrupt this residue have been determined to be pathogenic (PMID: 33981581; internal data). This suggests that this residue is clinically significant, and that variants that disrupt this residue are likely to be disease-causing. In summary, the currently available evidence indicates that the variant is pathogenic, but additional data are needed to prove that conclusively. Therefore, this variant has been classified as Likely Pathogenic.

Literature cited by the submitters: PubMed 33981581.

NM_000532.5(PCCB):c.1172T>G (p.Phe391Cys)

Gene: PCCB (propionyl-CoA carboxylase subunit beta; plus strand). Cytogenetic location: 3q22.3.
Variant type: single nucleotide variant.
Coding change: c.1172T>G on transcript NM_000532.5 (MANE Select); coding-DNA position 1172, T replaced by G.
Protein change: p.Phe391Cys; replaces phenylalanine 391 with cysteine.
Molecular consequence: missense variant.
Genome position (GRCh38, 1-based): chr3:136,326,884, T>G. VCF-style: chr3-136326884-T-G. GRCh37 (hg19) VCF-style: chr3-136045726-T-G.
Other names: c.1232T>G, p.Phe411Cys (NM_001178014.2); short protein forms F391C, F411C.
Identifiers: ClinVar variation 2063366 (VCV002063366.4), dbSNP rs1189355322, ClinGen allele CA354648769.